The following is an entry in ClinVar:

NM_015557.3(CHD5):c.2282T>C (p.Ile761Thr)

Gene: CHD5 (chromodomain helicase DNA binding protein 5; minus strand). Cytogenetic location: 1p36.31.
Variant type: single nucleotide variant.
Coding change: c.2282T>C on transcript NM_015557.3 (MANE Select); coding-DNA position 2282, T replaced by C.
Protein change: p.Ile761Thr; replaces isoleucine 761 with threonine.
Molecular consequence: missense variant.
Genome position (GRCh38, 1-based): chr1:6,142,282, A>G on the plus strand (T>C on the coding strand, the complement: CHD5 is on the minus strand). VCF-style: chr1-6142282-A-G. GRCh37 (hg19) VCF-style: chr1-6202342-A-G.
Other names: short protein forms I761T.
Identifiers: ClinVar variation 5021004 (VCV005021004.1).

ClinVar aggregate classification (germline): Uncertain significance (1 of 4 stars; one submission).

Submission:

Dasa
Classification: Uncertain significance. Last evaluated: 2025-02-03. Review status: criteria provided, single submitter. Criteria: DASA Assertion Criteria. Collection method: clinical testing. Allele origin: germline.
Comment: NM_015557.3(CHD5):c.2282T>C (p.Ile761Thr) is a missense variant that results in the substitution of isoleucine with threonine. This variant is absent from population databases. Computational prediction algorithms are consistent with a deleterious effect. The currently available literature and clinical evidence are not sufficient to establish a definitive association between this variant and the reported condition. Therefore, this variant is classified as a variant of uncertain significance.